The following is an entry in ClinVar:

ClinVar aggregate classification (germline): Likely benign (1 of 4 stars; one submission).

Submission:

CeGaT Center for Human Genetics Tuebingen
Classification: Likely benign. Last evaluated: 2022-04-01. Review status: criteria provided, single submitter. Criteria: CeGaT Center For Human Genetics Tuebingen Variant Classification Criteria Version 2. Collection method: clinical testing. Allele origin: germline. Affected: yes. Observed: 1 variant allele.
Comment: CFAP44: PM2:Supporting, BP4, BP7

NM_001164496.2(CFAP44):c.4617T>C (p.Ile1539=)

Genes: CFAP44 (cilia and flagella associated protein 44; minus strand), SPICE1-CFAP44 (SPICE1-CFAP44 readthrough (NMD candidate); minus strand). Cytogenetic location: 3q13.2.
Variant type: single nucleotide variant.
Coding change: c.4617T>C on transcript NM_001164496.2 (MANE Select); coding-DNA position 4617, T replaced by C.
Protein change: p.Ile1539=; no amino-acid change (isoleucine 1539 retained).
Molecular consequence: synonymous variant. On other transcripts: non-coding transcript variant (6).
Genome position (GRCh38, 1-based): chr3:113,308,168, A>G on the plus strand (T>C on the coding strand, the complement: CFAP44 is on the minus strand). VCF-style: chr3-113308168-A-G. GRCh37 (hg19) VCF-style: chr3-113027015-A-G.
Identifiers: ClinVar variation 2654041 (VCV002654041.22), dbSNP rs2473839591, ClinGen allele CA434926169.